The following is an entry in ClinVar:

NM_000038.6(APC):c.7447G>T (p.Val2483Phe)

Gene: APC (APC regulator of Wnt signaling pathway; plus strand). Cytogenetic location: 5q22.2.
Variant type: single nucleotide variant.
Coding change: c.7447G>T on transcript NM_000038.6 (MANE Select); coding-DNA position 7447, G replaced by T.
Protein change: p.Val2483Phe; replaces valine 2483 with phenylalanine.
Molecular consequence: missense variant. On other transcripts: non-coding transcript variant (2).
Genome position (GRCh38, 1-based): chr5:112,843,041, G>T. VCF-style: chr5-112843041-G-T. GRCh37 (hg19) VCF-style: chr5-112178738-G-T.
Other names: c.7447G>T, p.Val2483Phe (NM_001127510.3, NM_001354895.2, NM_001407450.1); c.7393G>T, p.Val2465Phe (NM_001127511.3); c.7501G>T, p.Val2501Phe (NM_001354896.2, NM_001407447.1, NM_001407448.1 and 1 more transcripts); c.7477G>T, p.Val2493Phe (NM_001354897.2); c.7372G>T, p.Val2458Phe (NM_001354898.2); c.7363G>T, p.Val2455Phe (NM_001354899.2); c.7324G>T, p.Val2442Phe (NM_001354900.2); c.7270G>T, p.Val2424Phe (NM_001354901.2, NM_001407453.1); and 11 more; short protein forms V2099F, V2200F, V2323F, V2354F, V2357F, V2382F, V2392F, V2400F.
Identifiers: ClinVar variation 4757865 (VCV004757865.1).
Genomic context (GRCh38, chr5:112,843,041, plus strand): 5'-GAATCTCTTTCTCCATCATCTAGACCAGCTTCTCCCACTAGGTCCCAGGCACAAACTCCA[G>T]TTTTAAGTCCTTCCCTTCCTGATATGTCTCTATCCACACATTCGTCTGTTCAGGCTGGTG-3'
Protein context (NP_000029.2, residues 2473-2493): SPTRSQAQTP[Val2483Phe]LSPSLPDMSL

ClinVar aggregate classification (germline): Uncertain significance (1 of 4 stars; one submission).

Conditions:
Hereditary cancer-predisposing syndrome. Also called: Tumor predisposition; Hereditary Cancer Syndrome; Neoplastic Syndromes, Hereditary; Hereditary neoplastic syndrome. Identifiers: Orphanet 140162, MedGen C0027672, MeSH D009386, MONDO:0015356.

Submission:

Color Diagnostics, LLC DBA Color Health
Classification: Uncertain significance for Hereditary cancer-predisposing syndrome. Last evaluated: 2025-08-20. Review status: criteria provided, single submitter. Criteria: ACMG Guidelines, 2015. Collection method: clinical testing. Allele origin: germline.
Comment: This missense variant replaces valine with phenylalanine at codon 2483 of the APC protein. APC is defined as a gene for which primarily truncating variants are known to cause disease (ClinGen HCCP VCEP). Computational prediction suggests that this variant may not impact protein structure and function. To our knowledge, functional studies have not been reported for this variant. This variant has not been reported in individuals affected with APC-related disorders in the literature. This variant has not been identified in the general population by the Genome Aggregation Database (gnomAD). The available evidence is insufficient to determine the role of this variant in disease conclusively. Therefore, this variant is classified as a Variant of Uncertain Significance.